The following is an entry in ClinVar:

NM_006280.3(SSR4):c.482A>G (p.Tyr161Cys)

Gene: SSR4 (signal sequence receptor subunit 4; plus strand). Cytogenetic location: Xq28.
Variant type: single nucleotide variant.
Coding change: c.482A>G on transcript NM_006280.3 (MANE Select); coding-DNA position 482, A replaced by G.
Protein change: p.Tyr161Cys; replaces tyrosine 161 with cysteine.
Molecular consequence: missense variant.
Genome position (GRCh38, 1-based): chrX:153,798,393, A>G. VCF-style: chrX-153798393-A-G. GRCh37 (hg19) VCF-style: chrX-153063848-A-G.
Other names: c.515A>G, p.Tyr172Cys (NM_001204526.2); c.506A>G, p.Tyr169Cys (NM_001204527.2); short protein forms Y161C, Y169C, Y172C.
Identifiers: ClinVar variation 1805820 (VCV001805820.2), dbSNP rs2520538842, ClinGen allele CA415187367.

ClinVar aggregate classification (germline): Uncertain significance (1 of 4 stars; one submission).

Conditions:
SSR4-congenital disorder of glycosylation. Also called: SSR4-CDG; CDG IY; Congenital disorder of glycosylation type 1y. Identifiers: Orphanet 370927, MedGen C4012395, MONDO:0010490, OMIM 300934.

Allele frequency attached by ClinVar (database versions not stated): gnomAD exomes below 0.00001.

Submission:

Victorian Clinical Genetics Services, Murdoch Childrens Research Institute
Classification: Uncertain significance for SSR4-congenital disorder of glycosylation. Last evaluated: 2020-05-26. Review status: criteria provided, single submitter. Criteria: ACMG Guidelines, 2015. Collection method: clinical testing. Allele origin: germline. Inheritance: X-linked recessive inheritance. Affected: yes.
Comment: Based on the classification scheme VCGS_Germline_v1.1.1, this variant is classified as 3B - VUS. Following criteria are met: 0102 - Loss-of-function is a known mechanism of disease for this gene. (N) 0106 - This gene is known to be associated with autosomal recessive disease. (N) 0200 - Variant is predicted to result in a missense amino acid change from tyrosine to cysteine (exon 6). (N) 0253 - Variant is hemizygous. (N) 0301 - Variant is absent from gnomAD. (P) 0501 - Missense variant consistently predicted to be damaging by multiple in silico tools or highly conserved with a major amino acid change. (P) 0604 - Variant is not located in an established domain, motif, hotspot or informative constraint region. (N) 0705 - No comparable variants have previous evidence for pathogenicity. (N) 0807 - Variant has not previously been reported in a clinical context. (N) 0905 - No segregation evidence has been identified for this variant. (N) 1007 - No published functional evidence has been identified for this variant in the literature. (N) 1208 - Inheritance information for this variant is not currently available. (N) Legend: (P) - Pathogenic, (N) - Neutral, (B) - Benign